The following is an entry in ClinVar:

ClinVar aggregate classification (germline): Pathogenic (1 of 4 stars; one submission).

Conditions:
Duchenne muscular dystrophy (DMD). Also called: Duchenne Muscular Dystrophy (DMD); MUSCULAR DYSTROPHY, PSEUDOHYPERTROPHIC PROGRESSIVE, DUCHENNE TYPE. Identifiers: Orphanet 98896, MedGen C0013264, MONDO:0010679, OMIM 310200.

Submission:

Labcorp Genetics (formerly Invitae), Labcorp
Classification: Pathogenic for Duchenne muscular dystrophy. Last evaluated: 2019-09-09. Review status: criteria provided, single submitter. Criteria: Invitae Variant Classification Sherloc (09022015). Collection method: clinical testing. Allele origin: germline.
Comment: This sequence change is an Alu-mediated insertion in exon 43 of the DMD mRNA (c.6220_6221insAlu), causing a premature translational stop signal (p.Leu2074_Met3685delinsArgSerIleAsnPheValAspMetGlnPro*). The exact size and sequence of the insertion cannot be determined by the current assay. However, the insertion is expected to result in an absent or disrupted protein product. This variant is not present in population databases (ExAC no frequency). This variant has not been reported in the literature in individuals with DMD-related conditions. Retrotransposon insertions including LINE1 (L1), Alu, and SVA (SINE-VNTR-Alu) have been reported to be disease-causing through disruption of either a coding region or splice site (PMID: 19763152, 20307669, 22406018) and loss-of-function variants in DMD are known to be pathogenic (PMID: 16770791, 25007885). For these reasons, this variant has been classified as Pathogenic.

Literature cited by the submitters: PubMed 16770791; PubMed 25007885; PubMed 20307669; PubMed 22406018; PubMed 19763152.

NM_004006.2:c.6220_6221insAlu

Gene: DMD (dystrophin; minus strand). Cytogenetic location: Xp21.2-21.1.
Variant type: Insertion.
Identifiers: ClinVar variation 870280 (VCV000870280.1).